The following is an entry in ClinVar:

ClinVar aggregate classification (germline): Uncertain significance. Review status: criteria provided, multiple submitters, no conflicts (2 of 4 stars). 5 submissions from 5 submitters: Uncertain significance (4). 1 of the submissions does not count toward it. Last evaluated 2025-07-09.

Conditions:
Ataxia-telangiectasia syndrome (AT). Also called: LOUIS-BAR SYNDROME; Ataxia-telangiectasia, complementation group E; Ataxia-telangiectasia, complementation group D; AT, COMPLEMENTATION GROUP C; Ataxia telangiectasia (A-T); Cerebello-oculocutaneous telangiectasia. Identifiers: Orphanet 100, MedGen C0004135, MONDO:0008840, OMIM 208900.
Hereditary cancer-predisposing syndrome. Also called: Neoplastic Syndromes, Hereditary; Hereditary Cancer Syndrome; Hereditary neoplastic syndrome; Tumor predisposition. Identifiers: Orphanet 140162, MedGen C0027672, MeSH D009386, MONDO:0015356.

Allele frequency attached by ClinVar (database versions not stated): gnomAD exomes below 0.00001; ExAC 0.00001; TOPMed 0.00001.

Submissions (5):

Labcorp Genetics (formerly Invitae), Labcorp
Classification: Uncertain significance for Ataxia-telangiectasia syndrome. Last evaluated: 2025-07-09. Review status: criteria provided, single submitter. Criteria: Invitae Variant Classification Sherloc (09022015). Collection method: clinical testing. Allele origin: germline.
Comment: This sequence change replaces histidine, which is basic and polar, with arginine, which is basic and polar, at codon 945 of the ATM protein (p.His945Arg). This variant is present in population databases (rs752053874, gnomAD 0.0009%). This variant has not been reported in the literature in individuals affected with ATM-related conditions. ClinVar contains an entry for this variant (Variation ID: 642109). Invitae Evidence Modeling of protein sequence and biophysical properties (such as structural, functional, and spatial information, amino acid conservation, physicochemical variation, residue mobility, and thermodynamic stability) indicates that this missense variant is not expected to disrupt ATM protein function with a negative predictive value of 95%. In summary, the available evidence is currently insufficient to determine the role of this variant in disease. Therefore, it has been classified as a Variant of Uncertain Significance.

Ambry Genetics
Classification: Uncertain significance for Hereditary cancer-predisposing syndrome. Last evaluated: 2024-04-22. Review status: criteria provided, single submitter. Criteria: Ambry Variant Classification Scheme 2023. Collection method: clinical testing. Allele origin: germline.
Comment: The p.H945R variant (also known as c.2834A>G), located in coding exon 17 of the ATM gene, results from an A to G substitution at nucleotide position 2834. The histidine at codon 945 is replaced by arginine, an amino acid with highly similar properties. This amino acid position is highly conserved in available vertebrate species. In addition, this alteration is predicted to be deleterious by in silico analysis. Since supporting evidence is limited at this time, the clinical significance of this alteration remains unclear.

Color Diagnostics, LLC DBA Color Health
Classification: Uncertain significance for Hereditary cancer-predisposing syndrome. Last evaluated: 2024-03-06. Review status: criteria provided, single submitter. Criteria: ACMG Guidelines, 2015. Collection method: clinical testing. Allele origin: germline.
Comment: This missense variant replaces histidine with arginine at codon 945 of the ATM protein. Computational prediction suggests that this variant may not impact protein structure and function (internally defined REVEL score threshold <= 0.5, PMID: 27666373). To our knowledge, functional studies have not been reported for this variant. This variant has not been reported in individuals affected with hereditary cancer in the literature. This variant has been identified in 1/251318 chromosomes in the general population by the Genome Aggregation Database (gnomAD). The available evidence is insufficient to determine the role of this variant in disease conclusively. Therefore, this variant is classified as a Variant of Uncertain Significance.

GeneDx
Classification: Uncertain significance. Last evaluated: 2023-08-07. Review status: criteria provided, single submitter. Criteria: GeneDx Variant Classification Process June 2021. Collection method: clinical testing. Allele origin: germline. Affected: yes.
Comment: Not observed at significant frequency in large population cohorts (gnomAD); In silico analysis supports that this missense variant does not alter protein structure/function; Has not been previously published as pathogenic or benign to our knowledge

Natera, Inc.
Classification: Uncertain significance for Ataxia-telangiectasia. Last evaluated: 2020-12-10. Review status: no assertion criteria provided. Collection method: clinical testing. Allele origin: germline. Not counted in ClinVar's aggregate classification.

NM_000051.4(ATM):c.2834A>G (p.His945Arg)

Gene: ATM (ATM serine/threonine kinase; plus strand). Cytogenetic location: 11q22.3.
Variant type: single nucleotide variant.
Coding change: c.2834A>G on transcript NM_000051.4 (MANE Select); coding-DNA position 2834, A replaced by G.
Protein change: p.His945Arg; replaces histidine 945 with arginine.
Molecular consequence: missense variant.
Genome position (GRCh38, 1-based): chr11:108,268,605, A>G. VCF-style: chr11-108268605-A-G. GRCh37 (hg19) VCF-style: chr11-108139332-A-G.
Other names: c.2834A>G, p.His945Arg (NM_001351834.2); short protein forms H945R.
Identifiers: ClinVar variation 642109 (VCV000642109.20), dbSNP rs752053874, ClinGen allele CA6265119.